The following is an entry in ClinVar:

NM_004444.5(EPHB4):c.2591G>A (p.Arg864Gln)

Genes: EPHB4 (EPH receptor B4; minus strand), LOC126860124 (CDK7 strongly-dependent group 2 enhancer GRCh37_chr7:100403701-100404900; plus strand). Cytogenetic location: 7q22.1.
Variant type: single nucleotide variant.
Coding change: c.2591G>A on transcript NM_004444.5 (MANE Select); coding-DNA position 2591, G replaced by A.
Protein change: p.Arg864Gln; replaces arginine 864 with glutamine.
Molecular consequence: missense variant.
Genome position (GRCh38, 1-based): chr7:100,805,588, C>T on the plus strand (G>A on the coding strand, the complement: EPHB4 is on the minus strand). VCF-style: chr7-100805588-C-T. GRCh37 (hg19) VCF-style: chr7-100403210-C-T.
Other names: short protein forms R864Q.
Identifiers: ClinVar variation 3275969 (VCV003275969.3).

ClinVar aggregate classification (germline): Uncertain significance. Review status: criteria provided, multiple submitters, no conflicts (2 of 4 stars). 2 submissions from 2 submitters: Uncertain significance (2). Last evaluated 2024-08-01.

Conditions:
Cardiovascular phenotype. Identifiers: MedGen CN230736.

gnomAD v4.1: 12 of 1,554,658 alleles (0.00077%); highest among the groups gnomAD compares: African/African-American, 0.0014%; no homozygotes.

Submissions (2):

Labcorp Genetics (formerly Invitae), Labcorp
Classification: Uncertain significance. Last evaluated: 2024-08-01. Review status: criteria provided, single submitter. Criteria: Invitae Variant Classification Sherloc (09022015). Collection method: clinical testing. Allele origin: germline.
Comment: This sequence change replaces arginine, which is basic and polar, with glutamine, which is neutral and polar, at codon 864 of the EPHB4 protein (p.Arg864Gln). This variant is not present in population databases (gnomAD no frequency). This missense change has been observed in individual(s) with clinical features of EPHB4-related conditions (PMID: 32901917). Advanced modeling of protein sequence and biophysical properties (such as structural, functional, and spatial information, amino acid conservation, physicochemical variation, residue mobility, and thermodynamic stability) performed at Invitae indicates that this missense variant is expected to disrupt EPHB4 protein function with a positive predictive value of 80%. In summary, the available evidence is currently insufficient to determine the role of this variant in disease. Therefore, it has been classified as a Variant of Uncertain Significance.

Ambry Genetics
Classification: Uncertain significance for Cardiovascular phenotype. Last evaluated: 2024-05-09. Review status: criteria provided, single submitter. Criteria: Ambry Variant Classification Scheme 2023. Collection method: clinical testing. Allele origin: germline.
Comment: The p.R864Q variant (also known as c.2591G>A), located in coding exon 15 of the EPHB4 gene, results from a G to A substitution at nucleotide position 2591. The arginine at codon 864 is replaced by glutamine, an amino acid with highly similar properties. This amino acid position is highly conserved in available vertebrate species. In addition, this alteration is predicted to be deleterious by in silico analysis. Based on the available evidence, the clinical significance of this variant remains unclear.

Literature cited by the submitters: PubMed 32901917 (cited by Labcorp Genetics (formerly Invitae), Labcorp).